The following is an entry in ClinVar:

ClinVar aggregate classification (germline): Likely benign. Review status: criteria provided, multiple submitters, no conflicts (2 of 4 stars). 3 submissions from 3 submitters: Likely benign (3). Last evaluated 2025-03-13.

Conditions:
Neuropathy, hereditary sensory and autonomic, type 2A (HSAN2A). Also called: ACROOSTEOLYSIS, GIACCAI TYPE; ACROOSTEOLYSIS, NEUROGENIC; HSAN IIA; WNK1-Related HSAN2 (HSAN2A); MORVAN DISEASE; NEUROPATHY, CONGENITAL SENSORY. Identifiers: Orphanet 970, MedGen C2752089, MONDO:0024309, OMIM 201300.
Pseudohypoaldosteronism type 2C (PHA2C). Also called: Pseudohypoaldosteronism Type IIC. Identifiers: Orphanet 757, Orphanet 88940, MedGen C1840391, MONDO:0013778, OMIM 614492.
WNK1-related disorder. Also called: WNK1-related condition.

Allele frequency attached by ClinVar (database versions not stated): gnomAD 0.00003 and 0.00004; gnomAD exomes 0.00003 and 0.00006; ESP Exome Variant Server 0.00008; ExAC 0.00007.
gnomAD v4.1: 44 of 1,613,160 alleles (0.0027%); highest among the groups gnomAD compares: Middle Eastern, 0.033%; no homozygotes.

Submissions (3):

PreventionGenetics, part of Exact Sciences
Classification: Likely benign for WNK1-related condition. Last evaluated: 2025-03-13. Review status: criteria provided, single submitter. Criteria: ACMG Guidelines, 2015. Collection method: clinical testing. Allele origin: germline.
Comment: This variant is classified as likely benign based on ACMG/AMP sequence variant interpretation guidelines (Richards et al. 2015 PMID: 25741868, with internal and published modifications).

Labcorp Genetics (formerly Invitae), Labcorp
Classification: Likely benign for Neuropathy, hereditary sensory and autonomic, type 2A; Pseudohypoaldosteronism type 2C. Last evaluated: 2024-12-12. Review status: criteria provided, single submitter. Criteria: Invitae Variant Classification Sherloc (09022015). Collection method: clinical testing. Allele origin: germline.

CeGaT Center for Human Genetics Tuebingen
Classification: Likely benign. Last evaluated: 2024-03-01. Review status: criteria provided, single submitter. Criteria: CeGaT Center For Human Genetics Tuebingen Variant Classification Criteria Version 2. Collection method: clinical testing. Allele origin: germline. Affected: yes. Observed: 1 variant allele.
Comment: WNK1: BP4, BP7

NM_018979.4(WNK1):c.6048C>T (p.Ala2016=)

Gene: WNK1 (WNK lysine deficient protein kinase 1; plus strand). Cytogenetic location: 12p13.33.
Variant type: single nucleotide variant.
Coding change: c.6048C>T on transcript NM_018979.4 (MANE Select); coding-DNA position 6048, C replaced by T.
Protein change: p.Ala2016=; no amino-acid change (alanine 2016 retained).
Molecular consequence: synonymous variant.
Genome position (GRCh38, 1-based): chr12:896,535, C>T. VCF-style: chr12-896535-C-T. GRCh37 (hg19) VCF-style: chr12-1005701-C-T.
Other names: c.6828C>T, p.Ala2276= (NM_001184985.2); c.5304C>T, p.Ala1768= (NM_014823.3); c.6804C>T, p.Ala2268= (NM_213655.5); c.6048C>T (NM_018979.3).
Identifiers: ClinVar variation 1135636 (VCV001135636.31), dbSNP rs148405127, ClinGen allele CA6383321.
Genomic context (GRCh38, chr12:896,535, plus strand): 5'-AGAGAAGCCTGAACTGTCAGAGCCTTCACATCTAAATGGGCCGTCTTCTGACCCGGAGGC[C>T]GCTTTTTTAAGTAGGGATGTGGATGATGGTTCCGGTAGTCCACACTCGCCCCATCAGCTG-3'
Protein context (NP_061852.3, residues 2006-2026): HLNGPSSDPE[Ala2016=]AFLSRDVDDG